The following is an entry in ClinVar:

ClinVar aggregate classification (germline): Uncertain significance. Review status: criteria provided, multiple submitters, no conflicts (2 of 4 stars). 2 submissions from 2 submitters: Uncertain significance (2). Last evaluated 2026-03-20.

gnomAD v4.1: 1 of 1,613,542 alleles (0.000062%); highest among the groups gnomAD compares: Non-Finnish European, 0.000085%; no homozygotes.

Submissions (2):

GeneDx
Classification: Uncertain significance. Last evaluated: 2026-03-20. Review status: criteria provided, single submitter. Criteria: GeneDx Variant Classification Process June 2021. Collection method: clinical testing. Allele origin: germline.
Comment: Not observed at significant frequency in large population cohorts (gnomAD); In silico analysis supports that this missense variant has a deleterious effect on protein structure/function; Has not been previously published as pathogenic or benign to our knowledge

Labcorp Genetics (formerly Invitae), Labcorp
Classification: Uncertain significance. Last evaluated: 2024-08-04. Review status: criteria provided, single submitter. Criteria: Invitae Variant Classification Sherloc (09022015). Collection method: clinical testing. Allele origin: germline.
Comment: This sequence change replaces asparagine, which is neutral and polar, with serine, which is neutral and polar, at codon 2271 of the DCHS1 protein (p.Asn2271Ser). This variant is not present in population databases (gnomAD no frequency). This variant has not been reported in the literature in individuals affected with DCHS1-related conditions. Advanced modeling of protein sequence and biophysical properties (such as structural, functional, and spatial information, amino acid conservation, physicochemical variation, residue mobility, and thermodynamic stability) has been performed at Invitae for this missense variant, however the output from this modeling did not meet the statistical confidence thresholds required to predict the impact of this variant on DCHS1 protein function. In summary, the available evidence is currently insufficient to determine the role of this variant in disease. Therefore, it has been classified as a Variant of Uncertain Significance.

NM_003737.4(DCHS1):c.6812A>G (p.Asn2271Ser)

Gene: DCHS1 (dachsous cadherin-related 1; minus strand). Cytogenetic location: 11p15.4.
Variant type: single nucleotide variant.
Coding change: c.6812A>G on transcript NM_003737.4 (MANE Select); coding-DNA position 6812, A replaced by G.
Protein change: p.Asn2271Ser; replaces asparagine 2271 with serine.
Molecular consequence: missense variant.
Genome position (GRCh38, 1-based): chr11:6,625,647, T>C on the plus strand (A>G on the coding strand, the complement: DCHS1 is on the minus strand). VCF-style: chr11-6625647-T-C. GRCh37 (hg19) VCF-style: chr11-6646878-T-C.
Other names: c.6812A>G (NM_003737.3); short protein forms N2271S.
Identifiers: ClinVar variation 3661365 (VCV003661365.3).